The following is an entry in ClinVar:

ClinVar aggregate classification (germline): Pathogenic. Review status: criteria provided, multiple submitters, no conflicts (2 of 4 stars). 3 submissions from 3 submitters: Pathogenic (3). Last evaluated 2024-02-28.
ClinVar aggregate classification (oncogenicity): Likely oncogenic (1 of 4 stars; one submission).

Conditions:
Hereditary cancer-predisposing syndrome. Also called: Neoplastic Syndromes, Hereditary; Hereditary Cancer Syndrome; Tumor predisposition; Hereditary neoplastic syndrome. Identifiers: Orphanet 140162, MedGen C0027672, MeSH D009386, MONDO:0015356.
BAP1-related tumor predisposition syndrome (TPDS1). Also called: COMMON Syndrome; TUMOR PREDISPOSITION SYNDROME 1; BAP1 tumor predisposition syndrome; Tumor susceptibility linked to germline BAP1 mutations. Identifiers: Orphanet 289539, MedGen C3280492, MONDO:0013692, OMIM 614327.
Neoplasm. Also called: tumor; Neoplasms; Neoplasm (disease). Identifiers: MedGen C0027651, MeSH D009369, MONDO:0005070, HP:0002664.

Submissions (4):

Center for Genomic Medicine, Rigshospitalet, Copenhagen University Hospital
Classification: Likely oncogenic for Neoplasm. Last evaluated: 2025-03-04. Review status: criteria provided, single submitter. Criteria: ClinGen/CGC/VICC Guidelines for Oncogenicity, 2022. Collection method: clinical testing. Allele origin: somatic. Affected: yes.

Labcorp Genetics (formerly Invitae), Labcorp
Classification: Pathogenic for BAP1-related tumor predisposition syndrome. Last evaluated: 2024-02-28. Review status: criteria provided, single submitter. Criteria: Invitae Variant Classification Sherloc (09022015). Collection method: clinical testing. Allele origin: germline.
Comment: This sequence change creates a premature translational stop signal (p.Gln441*) in the BAP1 gene. It is expected to result in an absent or disrupted protein product. Loss-of-function variants in BAP1 are known to be pathogenic (PMID: 21874000, 23684012). This variant is not present in population databases (gnomAD no frequency). This premature translational stop signal has been observed in individual(s) with melanocytic BAP1–mutated atypical intradermal tumors (MBAITs) (PMID: 28793149). ClinVar contains an entry for this variant (Variation ID: 584646). Algorithms developed to predict the effect of sequence changes on RNA splicing suggest that this variant may disrupt the consensus splice site. For these reasons, this variant has been classified as Pathogenic.

Ambry Genetics
Classification: Pathogenic for Hereditary cancer-predisposing syndrome. Last evaluated: 2018-10-10. Review status: criteria provided, single submitter. Criteria: Ambry Variant Classification Scheme 2023. Collection method: clinical testing. Allele origin: germline.
Comment: The p.Q441* variant (also known as c.1321C>T), located in coding exon 13 of the BAP1 gene, results from a C to T substitution at nucleotide position 1321. This changes the amino acid from a glutamine to a stop codon within coding exon 13. This variant has been reported in a family with melanocytic-BAP1-mutated atypical intradermal tumors, mesothelioma, renal cancer, and cutaneous melanoma (Haugh AM et al. JAMA Dermatol. 2017 Oct;153:999-1006; Garfield EM et al. J. Am. Acad. Dermatol. 2018 Sep;79:525-534). In addition to the clinical data presented in the literature, this alteration is expected to result in loss of function by premature protein truncation or nonsense-mediated mRNA decay. As such, this alteration is interpreted as a disease-causing mutation.

Mendelics
Classification: Pathogenic for Tumor susceptibility linked to germline BAP1 mutations. Last evaluated: 2018-07-02. Review status: criteria provided, single submitter. Criteria: Mendelics Assertion Criteria 2017. Collection method: clinical testing. Allele origin: unknown.

Literature cited by the submitters: PubMed 33240524 (cited by Center for Genomic Medicine, Rigshospitalet, Copenhagen University Hospital); PubMed 26011428 (cited by Center for Genomic Medicine, Rigshospitalet, Copenhagen University Hospital); PubMed 21874000 (cited by Labcorp Genetics (formerly Invitae), Labcorp); PubMed 23684012 (cited by Labcorp Genetics (formerly Invitae), Labcorp); PubMed 28793149 (cited by Labcorp Genetics (formerly Invitae), Labcorp and Ambry Genetics); PubMed 29753057 (cited by Ambry Genetics).

NM_004656.4(BAP1):c.1321C>T (p.Gln441Ter)

Gene: BAP1 (BRCA1 associated deubiquitinase 1; minus strand). Cytogenetic location: 3p21.1.
Variant type: single nucleotide variant.
Coding change: c.1321C>T on transcript NM_004656.4 (MANE Select); coding-DNA position 1321, C replaced by T.
Protein change: p.Gln441Ter; replaces glutamine 441 with a stop codon.
Molecular consequence: nonsense.
Genome position (GRCh38, 1-based): chr3:52,403,824, G>A on the plus strand (C>T on the coding strand, the complement: BAP1 is on the minus strand). VCF-style: chr3-52403824-G-A. GRCh37 (hg19) VCF-style: chr3-52437840-G-A.
Other names: short protein forms Q441*.
Identifiers: ClinVar variation 584646 (VCV000584646.11), dbSNP rs1559587104, ClinGen allele CA353102138.